The following is an entry in ClinVar:

NM_021815.5(SLC5A7):c.1321T>G (p.Ser441Ala)

Gene: SLC5A7 (solute carrier family 5 member 7; plus strand). Cytogenetic location: 2q12.3.
Variant type: single nucleotide variant.
Coding change: c.1321T>G on transcript NM_021815.5 (MANE Select); coding-DNA position 1321, T replaced by G.
Protein change: p.Ser441Ala; replaces serine 441 with alanine.
Molecular consequence: missense variant.
Genome position (GRCh38, 1-based): chr2:108,010,439, T>G. VCF-style: chr2-108010439-T-G. GRCh37 (hg19) VCF-style: chr2-108626895-T-G.
Other names: c.1321T>G, p.Ser441Ala (NM_001305005.3); c.1006T>G, p.Ser336Ala (NM_001305006.3); c.580T>G, p.Ser194Ala (NM_001305007.3); short protein forms S194A, S441A, S336A.
Identifiers: ClinVar variation 4792743 (VCV004792743.1).

ClinVar aggregate classification (germline): Uncertain significance (1 of 4 stars; one submission).

Conditions:
Congenital myasthenic syndrome 20. Also called: Myasthenic syndrome, congenital, 20, presynaptic. Identifiers: MedGen C4310694, MONDO:0014939, OMIM 617143.
Neuronopathy, distal hereditary motor, type 7A. Also called: NEURONOPATHY, DISTAL HEREDITARY MOTOR, HARDING TYPE VIIA; NEUROPATHY, DISTAL HEREDITARY MOTOR, HARDING TYPE VIIA; Neuronopathy, distal hereditary motor, autosomal dominant 7; HARPER-YOUNG MYOPATHY; HMN VIIA; Neuronopathy, distal hereditary motor, type viia. Identifiers: Orphanet 139589, MedGen C1834703, MONDO:0008024, OMIM 158580.

Submission:

Labcorp Genetics (formerly Invitae), Labcorp
Classification: Uncertain significance for Neuronopathy, distal hereditary motor, type 7A; Congenital myasthenic syndrome 20. Last evaluated: 2025-07-16. Review status: criteria provided, single submitter. Criteria: Invitae Variant Classification Sherloc (09022015). Collection method: clinical testing. Allele origin: germline.
Comment: This sequence change replaces serine, which is neutral and polar, with alanine, which is neutral and non-polar, at codon 441 of the SLC5A7 protein (p.Ser441Ala). This variant is not present in population databases (gnomAD no frequency). This variant has not been reported in the literature in individuals affected with SLC5A7-related conditions. Invitae Evidence Modeling of protein sequence and biophysical properties (such as structural, functional, and spatial information, amino acid conservation, physicochemical variation, residue mobility, and thermodynamic stability) indicates that this missense variant is not expected to disrupt SLC5A7 protein function with a negative predictive value of 80%. In summary, the available evidence is currently insufficient to determine the role of this variant in disease. Therefore, it has been classified as a Variant of Uncertain Significance.